The following is an entry in ClinVar:

ClinVar aggregate classification (germline): Uncertain significance (1 of 4 stars; one submission).

gnomAD v4.1: 1 of 1,552,066 alleles (0.000064%); highest among the groups gnomAD compares: Non-Finnish European, 0.000087%; no homozygotes.

Submission:

Labcorp Genetics (formerly Invitae), Labcorp
Classification: Uncertain significance. Last evaluated: 2021-05-14. Review status: criteria provided, single submitter. Criteria: Invitae Variant Classification Sherloc (09022015). Collection method: clinical testing. Allele origin: germline.
Comment: In summary, the available evidence is currently insufficient to determine the role of this variant in disease. Therefore, it has been classified as a Variant of Uncertain Significance. Algorithms developed to predict the effect of missense changes on protein structure and function (SIFT, PolyPhen-2, Align-GVGD) all suggest that this variant is likely to be tolerated, but these predictions have not been confirmed by published functional studies and their clinical significance is uncertain. This variant has not been reported in the literature in individuals with KPNA7-related conditions. This variant is not present in population databases (ExAC no frequency). This sequence change replaces valine with isoleucine at codon 311 of the KPNA7 protein (p.Val311Ile). The valine residue is highly conserved and there is a small physicochemical difference between valine and isoleucine.

NM_001145715.3(KPNA7):c.931G>A (p.Val311Ile)

Gene: KPNA7 (karyopherin subunit alpha 7; minus strand). Cytogenetic location: 7q22.1.
Variant type: single nucleotide variant.
Coding change: c.931G>A on transcript NM_001145715.3 (MANE Select); coding-DNA position 931, G replaced by A.
Protein change: p.Val311Ile; replaces valine 311 with isoleucine.
Molecular consequence: missense variant.
Genome position (GRCh38, 1-based): chr7:99,185,132, C>T on the plus strand (G>A on the coding strand, the complement: KPNA7 is on the minus strand). VCF-style: chr7-99185132-C-T. GRCh37 (hg19) VCF-style: chr7-98782755-C-T.
Other names: short protein forms V311I.
Identifiers: ClinVar variation 1514522 (VCV001514522.8), dbSNP rs2150725655, ClinGen allele CA368419490.